The following is an entry in ClinVar:

ClinVar aggregate classification (germline): Uncertain significance. Review status: criteria provided, multiple submitters, no conflicts (2 of 4 stars). 3 submissions from 3 submitters: Uncertain significance (3). Last evaluated 2023-11-10.

Conditions:
Cenani-Lenz syndactyly syndrome. Also called: SYNDACTYLY, TYPE VII; CENANI SYNDACTYLISM. Identifiers: Orphanet 3258, MedGen C1859309, MONDO:0008931, OMIM 212780.
Sclerosteosis 2 (SOST2). Identifiers: Orphanet 3152, MedGen C3280402, MONDO:0013679, OMIM 614305.
Congenital myasthenic syndrome 17. Identifiers: Orphanet 590, MedGen C4225377, MONDO:0014578, OMIM 616304.
Inborn genetic diseases. Identifiers: MedGen C0950123, MeSH D030342.

Allele frequency attached by ClinVar (database versions not stated): gnomAD exomes 0.00002; gnomAD 0.00005; TOPMed 0.00007; ExAC 0.00008.

Submissions (3):

Daryl Scott Lab, Baylor College of Medicine
Classification: Uncertain significance for Cenani-Lenz syndactyly syndrome. Last evaluated: 2023-11-10. Review status: criteria provided, single submitter. Criteria: ACMG Guidelines, 2015. Collection method: clinical testing. Allele origin: biparental.

Ambry Genetics
Classification: Uncertain significance for Inborn genetic diseases. Last evaluated: 2022-08-08. Review status: criteria provided, single submitter. Criteria: Ambry Variant Classification Scheme 2023. Collection method: clinical testing. Allele origin: germline.

Labcorp Genetics (formerly Invitae), Labcorp
Classification: Uncertain significance for Cenani-Lenz syndactyly syndrome; Sclerosteosis 2; Congenital myasthenic syndrome 17. Last evaluated: 2022-07-13. Review status: criteria provided, single submitter. Criteria: Invitae Variant Classification Sherloc (09022015). Collection method: clinical testing. Allele origin: germline.
Comment: This sequence change replaces histidine, which is basic and polar, with arginine, which is basic and polar, at codon 1723 of the LRP4 protein (p.His1723Arg). This variant is present in population databases (rs757207852, gnomAD 0.08%). This variant has not been reported in the literature in individuals affected with LRP4-related conditions. Algorithms developed to predict the effect of missense changes on protein structure and function are either unavailable or do not agree on the potential impact of this missense change (SIFT: "Deleterious"; PolyPhen-2: "Benign"; Align-GVGD: "Class C0"). In summary, the available evidence is currently insufficient to determine the role of this variant in disease. Therefore, it has been classified as a Variant of Uncertain Significance.

NM_002334.4(LRP4):c.5168A>G (p.His1723Arg)

Genes: LRP4 (LDL receptor related protein 4; minus strand), LRP4-AS1 (LRP4 antisense RNA 1; plus strand). Cytogenetic location: 11p11.2.
Variant type: single nucleotide variant.
Coding change: c.5168A>G on transcript NM_002334.4 (MANE Select); coding-DNA position 5168, A replaced by G.
Protein change: p.His1723Arg; replaces histidine 1723 with arginine.
Molecular consequence: missense variant.
Genome position (GRCh38, 1-based): chr11:46,864,523, T>C on the plus strand (A>G on the coding strand, the complement: LRP4 is on the minus strand). VCF-style: chr11-46864523-T-C. GRCh37 (hg19) VCF-style: chr11-46886074-T-C.
Other names: short protein forms H1723R.
Identifiers: ClinVar variation 1984981 (VCV001984981.3), dbSNP rs757207852, ClinGen allele CA5969118.